The following is an entry in ClinVar:

NM_002691.4(POLD1):c.512_513insTGAGCTGAACTTGGC (p.Glu167_Ala171dup)

Gene: POLD1 (DNA polymerase delta 1, catalytic subunit; plus strand). Cytogenetic location: 19q13.33.
Variant type: Insertion.
Coding change: c.512_513insTGAGCTGAACTTGGC on transcript NM_002691.4 (MANE Select); coding-DNA positions 512 to 513, TGAGCTGAACTTGGC inserted.
Protein change: p.Glu167_Ala171dup.
Molecular consequence: inframe insertion. On other transcripts: non-coding transcript variant (1).
Genome position: GRCh38 VCF-style: chr19-50402033-G-GGAGCTGAACTTGGCT. GRCh37 (hg19) VCF-style: chr19-50905290-G-GGAGCTGAACTTGGCT.
Other names: c.512_513insTGAGCTGAACTTGGC, p.Glu167_Ala171dup (NM_001256849.1, NM_001308632.1).
Identifiers: ClinVar variation 956142 (VCV000956142.9), dbSNP rs2038659815, ClinGen allele CA1139666550.

ClinVar aggregate classification (germline): Uncertain significance (1 of 4 stars; one submission).

Conditions:
POLD1-related polyposis and colorectal cancer syndrome (CRCS10). Also called: Colorectal cancer 10; COLORECTAL CANCER, SUSCEPTIBILITY TO, ON CHROMOSOME 19q; Colorectal cancer, susceptibility to, 10. Identifiers: Orphanet 220460, MedGen C2675481, MONDO:0012953, OMIM 612591.

Submission:

Labcorp Genetics (formerly Invitae), Labcorp
Classification: Uncertain significance for POLD1-related polyposis and colorectal cancer syndrome. Last evaluated: 2019-11-11. Review status: criteria provided, single submitter. Criteria: Invitae Variant Classification Sherloc (09022015). Collection method: clinical testing. Allele origin: germline.
Comment: Experimental studies and prediction algorithms are not available or were not evaluated, and the functional significance of this variant is currently unknown. This variant, c.512_513insTGAGCTGAACTTGGC, results in the insertion of 5 amino acid(s) to the POLD1 protein (p.Glu167_Ala171dup), but otherwise preserves the integrity of the reading frame. This variant is not present in population databases (ExAC no frequency). This variant has not been reported in the literature in individuals with POLD1-related conditions. In summary, the available evidence is currently insufficient to determine the role of this variant in disease. Therefore, it has been classified as a Variant of Uncertain Significance.